The following is an entry in ClinVar:

ClinVar aggregate classification (germline): Uncertain significance (1 of 4 stars; one submission).

Submission:

Ambry Genetics
Classification: Uncertain significance. Last evaluated: 2023-04-22. Review status: criteria provided, single submitter. Criteria: Ambry Variant Classification Scheme 2023. Collection method: clinical testing. Allele origin: germline.
Comment: The p.W362R variant (also known as c.1084T>C), located in coding exon 3 of the TERF2IP gene, results from a T to C substitution at nucleotide position 1084. The tryptophan at codon 362 is replaced by arginine, an amino acid with dissimilar properties. This amino acid position is conserved. In addition, this alteration is predicted to be deleterious by in silico analysis. Since supporting evidence is limited at this time, the clinical significance of this alteration remains unclear.

NM_018975.4(TERF2IP):c.1084T>C (p.Trp362Arg)

Gene: TERF2IP (TERF2 interacting protein; plus strand). Cytogenetic location: 16q23.1.
Variant type: single nucleotide variant.
Coding change: c.1084T>C on transcript NM_018975.4 (MANE Select); coding-DNA position 1084, T replaced by C.
Protein change: p.Trp362Arg; replaces tryptophan 362 with arginine.
Molecular consequence: missense variant. On other transcripts: non-coding transcript variant (1).
Genome position (GRCh38, 1-based): chr16:75,656,495, T>C. VCF-style: chr16-75656495-T-C. GRCh37 (hg19) VCF-style: chr16-75690393-T-C.
Other names: short protein forms W362R.
Identifiers: ClinVar variation 2563462 (VCV002563462.2), dbSNP rs2507089818, ClinGen allele CA396820227.
Genomic context (GRCh38, chr16:75,656,495, plus strand): 5'-GAGCTGGAGGCTACTTCCGCCTTCTTAGCGTCTGGTCAGAGAGCTGATGGATATCCCATT[T>C]GGTCCCGACAAGATGACATAGATTTGCAAAAAGATGATGAGGATACCAGAGAGGCATTGG-3'
Protein context (NP_061848.2, residues 352-372): SGQRADGYPI[Trp362Arg]SRQDDIDLQK